The following is an entry in ClinVar:

ClinVar aggregate classification (germline): Uncertain significance. Review status: criteria provided, multiple submitters, no conflicts (2 of 4 stars). 2 submissions from 2 submitters: Uncertain significance (2). Last evaluated 2020-04-24.

Conditions:
Childhood neoplasm. Identifiers: MedGen C1368871, MONDO:0021079.
Breast-ovarian cancer, familial, susceptibility to, 4. Identifiers: Orphanet 145, MedGen C3280345, MONDO:0013669, OMIM 614291.

Allele frequency attached by ClinVar (database versions not stated): gnomAD exomes below 0.00001 and 0.00001; ExAC 0.00002.
gnomAD v4.1: 2 of 1,613,634 alleles (0.00012%); highest among the groups gnomAD compares: South Asian, 0.0011%; no homozygotes.

Submissions (2):

Cambridge Genomics Laboratory, East Genomic Laboratory Hub, NHS Genomic Medicine Service
Classification: Uncertain significance for Childhood neoplasm. Last evaluated: 2020-04-24. Review status: criteria provided, single submitter. Criteria: ACGS Best Practice Guidelines for Variant Classification in Rare Disease 2020. Collection method: clinical testing. Allele origin: germline. Affected: yes. Observed: 1 variant allele.

Labcorp Genetics (formerly Invitae), Labcorp
Classification: Uncertain significance for Breast-ovarian cancer, familial, susceptibility to, 4. Last evaluated: 2018-08-25. Review status: criteria provided, single submitter. Criteria: Invitae Variant Classification Sherloc (09022015). Collection method: clinical testing. Allele origin: germline.
Comment: This sequence change replaces glutamine with arginine at codon 306 of the RAD51D protein (p.Gln306Arg). The glutamine residue is moderately conserved and there is a small physicochemical difference between glutamine and arginine. This variant is present in population databases (rs748398937, ExAC 0.006%). This variant has not been reported in the literature in individuals with RAD51D-related disease. Algorithms developed to predict the effect of missense changes on protein structure and function (SIFT, PolyPhen-2, Align-GVGD) all suggest that this variant is likely to be tolerated, but these predictions have not been confirmed by published functional studies and their clinical significance is uncertain. In summary, the available evidence is currently insufficient to determine the role of this variant in disease. Therefore, it has been classified as a Variant of Uncertain Significance.

NM_002878.4(RAD51D):c.917A>G (p.Gln306Arg)

Genes: RAD51D (RAD51 paralog D; minus strand), RAD51L3-RFFL (RAD51L3-RFFL readthrough; minus strand). Cytogenetic location: 17q12.
Variant type: single nucleotide variant.
Coding change: c.917A>G on transcript NM_002878.4 (MANE Select); coding-DNA position 917, A replaced by G.
Protein change: p.Gln306Arg; replaces glutamine 306 with arginine.
Molecular consequence: missense variant. On other transcripts: non-coding transcript variant (2).
Genome position (GRCh38, 1-based): chr17:35,101,023, T>C on the plus strand (A>G on the coding strand, the complement: RAD51D is on the minus strand). VCF-style: chr17-35101023-T-C. GRCh37 (hg19) VCF-style: chr17-33428042-T-C.
Other names: c.977A>G, p.Gln326Arg (NM_001142571.2); c.581A>G, p.Gln194Arg (NM_133629.3); short protein forms Q326R, Q194R, Q306R.
Identifiers: ClinVar variation 639463 (VCV000639463.6), dbSNP rs748398937, ClinGen allele CA8499310.
Genomic context (GRCh38, chr17:35,101,023, plus strand): 5'-TCACCCTGTAATGTGGCACTCTGCTCTGAGGTCCCCCAGGTCCCAATGTCTACCATCTCC[T>C]GGAAACCTGTTGGCTGGAAGAAGAAGTAAGGAGTCAGTGGAGTTAAGCAACCCAAGTGGG-3'
Protein context (NP_002869.3, residues 296-316): AKSSRQPTGF[Gln306Arg]EMVDIGTWGT